The following is an entry in ClinVar:

ClinVar aggregate classification (germline): Uncertain significance (1 of 4 stars; one submission).

Conditions:
Duchenne muscular dystrophy (DMD). Also called: MUSCULAR DYSTROPHY, PSEUDOHYPERTROPHIC PROGRESSIVE, DUCHENNE TYPE; Duchenne Muscular Dystrophy (DMD). Identifiers: Orphanet 98896, MedGen C0013264, MONDO:0010679, OMIM 310200.

Submission:

Labcorp Genetics (formerly Invitae), Labcorp
Classification: Uncertain significance for Duchenne muscular dystrophy. Last evaluated: 2023-03-09. Review status: criteria provided, single submitter. Criteria: Invitae Variant Classification Sherloc (09022015). Collection method: clinical testing. Allele origin: germline.
Comment: In summary, the available evidence is currently insufficient to determine the role of this variant in disease. Therefore, it has been classified as a Variant of Uncertain Significance. Advanced modeling of protein sequence and biophysical properties (such as structural, functional, and spatial information, amino acid conservation, physicochemical variation, residue mobility, and thermodynamic stability) performed at Invitae indicates that this missense variant is not expected to disrupt DMD protein function. This variant has not been reported in the literature in individuals affected with DMD-related conditions. This variant is not present in population databases (gnomAD no frequency). This sequence change replaces glutamic acid, which is acidic and polar, with lysine, which is basic and polar, at codon 2859 of the DMD protein (p.Glu2859Lys).

NM_004006.3(DMD):c.8575G>A (p.Glu2859Lys)

Gene: DMD (dystrophin; minus strand). Cytogenetic location: Xp21.2.
Variant type: single nucleotide variant.
Coding change: c.8575G>A on transcript NM_004006.3 (MANE Select); coding-DNA position 8575, G replaced by A.
Protein change: p.Glu2859Lys; replaces glutamic acid 2859 with lysine.
Molecular consequence: missense variant.
Genome position (GRCh38, 1-based): chrX:31,479,076, C>T on the plus strand (G>A on the coding strand, the complement: DMD is on the minus strand). VCF-style: chrX-31479076-C-T. GRCh37 (hg19) VCF-style: chrX-31497193-C-T.
Other names: c.8551G>A, p.Glu2851Lys (NM_000109.4); c.8563G>A, p.Glu2855Lys (NM_004009.3); c.8206G>A, p.Glu2736Lys (NM_004010.3); c.4552G>A, p.Glu1518Lys (NM_004011.4); c.4543G>A, p.Glu1515Lys (NM_004012.4); c.1195G>A, p.Glu399Lys (NM_004013.3, NM_004020.4, NM_004021.3 and 2 more transcripts); c.388G>A, p.Glu130Lys (NM_004014.3); short protein forms E1515K, E2851K, E2859K, E130K, E1518K, E2855K, E399K, E2736K.
Identifiers: ClinVar variation 2844384 (VCV002844384.3), dbSNP rs1556656851, ClinGen allele CA412654628.